The following is an entry in ClinVar:

NM_175914.5(HNF4A):c.*1975G>A

Gene: HNF4A (hepatocyte nuclear factor 4 alpha; plus strand). Cytogenetic location: 20q13.12.
Variant type: single nucleotide variant.
Coding change: c.*1975G>A on transcript NM_175914.5 (MANE Select); 1975 bases downstream of the stop codon, G replaced by A.
Molecular consequence: 3 prime UTR variant.
Genome position (GRCh38, 1-based): chr20:44,431,640, G>A. VCF-style: chr20-44431640-G-A. GRCh37 (hg19) VCF-style: chr20-43060280-G-A.
Other names: c.*1975G>A (NM_000457.6, NM_001030003.3, NM_001258355.2 and 3 more transcripts).
Identifiers: ClinVar variation 895468 (VCV000895468.6), dbSNP rs140719706, ClinGen allele CA315422204.

ClinVar aggregate classification (germline): Benign/Likely benign. Review status: criteria provided, multiple submitters, no conflicts (2 of 4 stars). 4 submissions from 3 submitters: Benign (2); Likely benign (2). Last evaluated 2021-09-10.

Conditions:
Maturity-onset diabetes of the young type 1. Also called: MODY type 1; Diabetes mellitus MODY type 1; MODY HNF4A related; MILD JUVENILE DIABETES MELLITUS; HNF4A-Related Maturity-Onset Diabetes of the Young Type 1; MODY, type I. Identifiers: Orphanet 552, MedGen C1852093, MONDO:0007452, OMIM 125850. Disease mechanism: loss of function.
Maturity-onset diabetes of the young (MODY). Also called: Maturity onset diabetes mellitus in young. Identifiers: Orphanet 552, MedGen C0342276, MONDO:0018911, HP:0004904.
Familial hyperinsulinism. Also called: Congenital hyperinsulinism. Identifiers: Orphanet 276525, MedGen C3888018, MONDO:0017182. Disease mechanism: loss of function.

Allele frequency attached by ClinVar (database versions not stated): 1000 Genomes Project 0.00998; gnomAD 0.01038 and 0.01125; 1000 Genomes Project 30x 0.01077; TOPMed 0.01148.

Submissions (4):

GeneDx
Classification: Likely benign. Last evaluated: 2021-09-10. Review status: criteria provided, single submitter. Criteria: GeneDx Variant Classification Process June 2021. Collection method: clinical testing. Allele origin: germline. Affected: yes.

Illumina Laboratory Services, Illumina
Classification: Likely benign for Familial hyperinsulinism. Last evaluated: 2018-01-12. Review status: criteria provided, single submitter. Criteria: ICSL Variant Classification Criteria 13 December 2019. Collection method: clinical testing. Allele origin: germline.
Comment: This variant was observed in the ICSL laboratory as part of a predisposition screen in an ostensibly healthy population. It had not been previously curated by ICSL or reported in the Human Gene Mutation Database (HGMD: prior to June 1st, 2018), and was therefore a candidate for classification through an automated scoring system. Utilizing variant allele frequency, disease prevalence and penetrance estimates, and inheritance mode, an automated score was calculated to assess if this variant is too frequent to cause the disease. Based on the score and internal cut-off values, a variant classified as likely benign is not then subjected to further curation. The score for this variant resulted in a classification of likely benign for this disease.

Illumina Laboratory Services, Illumina
Classification: Benign for Maturity-onset diabetes of the young type 1. Last evaluated: 2018-01-12. Review status: criteria provided, single submitter. Criteria: ICSL Variant Classification Criteria 13 December 2019. Collection method: clinical testing. Allele origin: germline.
Comment: This variant was observed in the ICSL laboratory as part of a predisposition screen in an ostensibly healthy population. It had not been previously curated by ICSL or reported in the Human Gene Mutation Database (HGMD: prior to June 1st, 2018), and was therefore a candidate for classification through an automated scoring system. Utilizing variant allele frequency, disease prevalence and penetrance estimates, and inheritance mode, an automated score was calculated to assess if this variant is too frequent to cause the disease. Based on the score and internal cut-off values, a variant classified as benign is not then subjected to further curation. The score for this variant resulted in a classification of benign for this disease.

Clinical Genomics, Uppaluri K&H Personalized Medicine Clinic
Classification: Benign for Maturity-onset diabetes of the young. Review status: criteria provided, single submitter. Criteria: K & H Uppaluri Personalized Medicine Clinic Variant Classification & Assertion Criteria_Updated V.1. Collection method: research. Allele origin: unknown. Inheritance: Autosomal dominant inheritance.
Comment: Potent mutations in HNF4A are associated with poor insulin secretion in response to hyperglycemia. Associated with MODY1. Patients initially respond well to sulfonylureas but eventually become insulin dependent. However, more evidence is required to ascertain the role of this particular variant rs140719706 in MODY, yet.

Literature cited by the submitters: PubMed 18268044 (cited by Clinical Genomics, Uppaluri K&H Personalized Medicine Clinic); PubMed 17563455 (cited by Clinical Genomics, Uppaluri K&H Personalized Medicine Clinic); PubMed 32583173 (cited by Clinical Genomics, Uppaluri K&H Personalized Medicine Clinic); PubMed 35052457 (cited by Clinical Genomics, Uppaluri K&H Personalized Medicine Clinic); PubMed 35118593 (cited by Clinical Genomics, Uppaluri K&H Personalized Medicine Clinic); DOI 10.1159/000334532 (cited by Clinical Genomics, Uppaluri K&H Personalized Medicine Clinic).